The following is an entry in ClinVar:

ClinVar aggregate classification (germline): Uncertain significance (1 of 4 stars; one submission).

Conditions:
Inborn genetic diseases. Identifiers: MedGen C0950123, MeSH D030342.

Submission:

Ambry Genetics
Classification: Uncertain significance for Inborn genetic diseases. Last evaluated: 2020-12-22. Review status: criteria provided, single submitter. Criteria: Ambry Variant Classification Scheme 2023. Collection method: clinical testing. Allele origin: germline.
Comment: The p.E411A variant (also known as c.1232A>C), located in coding exon 12 of the ATL1 gene, results from an A to C substitution at nucleotide position 1232. The glutamic acid at codon 411 is replaced by alanine, an amino acid with dissimilar properties. This amino acid position is highly conserved in available vertebrate species. In addition, this alteration is predicted to be deleterious by in silico analysis. Since supporting evidence is limited at this time, the clinical significance of this alteration remains unclear.

NM_015915.5(ATL1):c.1232A>C (p.Glu411Ala)

Gene: ATL1 (atlastin GTPase 1; plus strand). Cytogenetic location: 14q22.1.
Variant type: single nucleotide variant.
Coding change: c.1232A>C on transcript NM_015915.5 (MANE Select); coding-DNA position 1232, A replaced by C.
Protein change: p.Glu411Ala; replaces glutamic acid 411 with alanine.
Molecular consequence: missense variant.
Genome position (GRCh38, 1-based): chr14:50,628,143, A>C. VCF-style: chr14-50628143-A-C. GRCh37 (hg19) VCF-style: chr14-51094861-A-C.
Other names: c.1232A>C, p.Glu411Ala (NM_001127713.1, NM_181598.4); short protein forms E411A.
Identifiers: ClinVar variation 1755816 (VCV001755816.2), dbSNP rs2504577349, ClinGen allele CA389675821.
Genomic context (GRCh38, chr14:50,628,143, plus strand): 5'-ACCTGCAACTTAAGGAAGAATCTGTGAAGCTATTCCGAGGGGTGAAGAAGATGGGTGGGG[A>C]AGAATTTAGCCGGCGTTACCTGCAGCAGTTGGAGAGTGAAATAGATGAACTTTACATCCA-3'
Protein context (NP_056999.2, residues 401-421): LFRGVKKMGG[Glu411Ala]EFSRRYLQQL